The following is an entry in ClinVar:

NM_024642.5(GALNT12):c.603C>T (p.Arg201=)

Gene: GALNT12 (polypeptide N-acetylgalactosaminyltransferase 12; plus strand). Cytogenetic location: 9q22.33.
Variant type: single nucleotide variant.
Coding change: c.603C>T on transcript NM_024642.5 (MANE Select); coding-DNA position 603, C replaced by T.
Protein change: p.Arg201=; no amino-acid change (arginine 201 retained).
Molecular consequence: synonymous variant.
Genome position (GRCh38, 1-based): chr9:98,826,813, C>T. VCF-style: chr9-98826813-C-T. GRCh37 (hg19) VCF-style: chr9-101589095-C-T.
Identifiers: ClinVar variation 1659773 (VCV001659773.11), dbSNP rs1202870372, ClinGen allele CA466423774.

ClinVar aggregate classification (germline): Benign/Likely benign. Review status: criteria provided, multiple submitters, no conflicts (2 of 4 stars). 3 submissions from 3 submitters: Benign (1); Likely benign (2). Last evaluated 2026-04-24.

Conditions:
Colorectal cancer, susceptibility to, 1. Also called: COLORECTAL ADENOMA AND CANCER, SUSCEPTIBILITY TO; COLORECTAL CANCER, SUSCEPTIBILITY TO, ON CHROMOSOME 9. Identifiers: MedGen C1837315, MONDO:0012132, OMIM 608812.

Allele frequency attached by ClinVar (database versions not stated): TOPMed below 0.00001; gnomAD exomes 0.00001.
gnomAD v4.1: 6 of 1,612,118 alleles (0.00037%); highest among the groups gnomAD compares: Non-Finnish European, 0.00051%; no homozygotes.

Submissions (3):

Myriad Genetics, Inc.
Classification: Benign for Colorectal cancer, susceptibility to, 1. Last evaluated: 2026-04-24. Review status: criteria provided, single submitter. Criteria: Myriad Autosomal Dominant, Autosomal Recessive and X-Linked Classification Criteria (2023). Collection method: clinical testing. Allele origin: unknown.
Comment: This variant is considered benign. This variant is a silent/synonymous amino acid change and it is not expected to impact splicing.

Labcorp Genetics (formerly Invitae), Labcorp
Classification: Likely benign. Last evaluated: 2022-03-08. Review status: criteria provided, single submitter. Criteria: Invitae Variant Classification Sherloc (09022015). Collection method: clinical testing. Allele origin: germline.

Ambry Genetics
Classification: Likely benign. Last evaluated: 2021-09-12. Review status: criteria provided, single submitter. Criteria: Ambry Variant Classification Scheme 2023. Collection method: clinical testing. Allele origin: germline.